The following is an entry in ClinVar:

ClinVar aggregate classification (germline): Conflicting classifications of pathogenicity. Review status: criteria provided, conflicting classifications (1 of 4 stars). 2 submissions from 2 submitters: Uncertain significance (1); Likely benign (1). Last evaluated 2025-01-27.

Conditions:
Inborn genetic diseases. Identifiers: MedGen C0950123, MeSH D030342.
Congenital disorder of deglycosylation (CDDG). Identifiers: MedGen C3808991, MONDO:0031376.

Allele frequency attached by ClinVar (database versions not stated): gnomAD exomes below 0.00001; TOPMed 0.00002; gnomAD 0.00003 and 0.00004.
gnomAD v4.1: 7 of 1,572,096 alleles (0.00045%); highest among the groups gnomAD compares: Admixed American, 0.013%; no homozygotes.

Submissions (2):

Labcorp Genetics (formerly Invitae), Labcorp
Classification: Uncertain significance for Congenital disorder of deglycosylation. Last evaluated: 2025-01-27. Review status: criteria provided, single submitter. Criteria: Invitae Variant Classification Sherloc (09022015). Collection method: clinical testing. Allele origin: germline.
Comment: This sequence change replaces alanine, which is neutral and non-polar, with threonine, which is neutral and polar, at codon 170 of the NGLY1 protein (p.Ala170Thr). The frequency data for this variant in the population databases is considered unreliable, as metrics indicate poor data quality at this position in the gnomAD database. This variant has not been reported in the literature in individuals affected with NGLY1-related conditions. ClinVar contains an entry for this variant (Variation ID: 1039343). Invitae Evidence Modeling of protein sequence and biophysical properties (such as structural, functional, and spatial information, amino acid conservation, physicochemical variation, residue mobility, and thermodynamic stability) indicates that this missense variant is not expected to disrupt NGLY1 protein function with a negative predictive value of 80%. In summary, the available evidence is currently insufficient to determine the role of this variant in disease. Therefore, it has been classified as a Variant of Uncertain Significance.

Ambry Genetics
Classification: Likely benign for Inborn genetic diseases. Last evaluated: 2023-12-26. Review status: criteria provided, single submitter. Criteria: Ambry Variant Classification Scheme 2023. Collection method: clinical testing. Allele origin: germline.

NM_018297.4(NGLY1):c.508G>A (p.Ala170Thr)

Gene: NGLY1 (N-glycanase 1; minus strand). Cytogenetic location: 3p24.2.
Variant type: single nucleotide variant.
Coding change: c.508G>A on transcript NM_018297.4 (MANE Select); coding-DNA position 508, G replaced by A.
Protein change: p.Ala170Thr; replaces alanine 170 with threonine.
Molecular consequence: missense variant.
Genome position (GRCh38, 1-based): chr3:25,751,248, C>T on the plus strand (G>A on the coding strand, the complement: NGLY1 is on the minus strand). VCF-style: chr3-25751248-C-T. GRCh37 (hg19) VCF-style: chr3-25792739-C-T.
Other names: c.508G>A (NM_018297.3); c.508G>A, p.Ala170Thr (NM_001145293.2, NM_001145295.2); c.382G>A, p.Ala128Thr (NM_001145294.2); short protein forms A170T, A128T.
Identifiers: ClinVar variation 1039343 (VCV001039343.5), dbSNP rs1261759648, ClinGen allele CA351906427.
Genomic context (GRCh38, chr3:25,751,248, plus strand): 5'-GAGCAGGATTTTCATAGACCAGCACATGCTGAATGTTGGACTGAAGAACTTCTAGAATGG[C>T]TGAGTCAGCAGCAACCTAATAGGAAAAAAAAAAACTGAAATTAACTTTTCACCATATGCT-3'
Protein context (NP_060767.2, residues 160-180): PSASTVAADS[Ala170Thr]ILEVLQSNIQ